The following is an entry in ClinVar:

ClinVar aggregate classification (germline): Conflicting classifications of pathogenicity. Review status: criteria provided, conflicting classifications (1 of 4 stars). 3 submissions from 3 submitters: Uncertain significance (2); Likely benign (1). Last evaluated 2026-08-17.

Conditions:
SH2B1-related disorder. Also called: SH2B1-related condition.

Allele frequency attached by ClinVar (database versions not stated): ExAC 0.00004.
gnomAD v4.1: 21 of 1,583,954 alleles (0.0013%); highest among the groups gnomAD compares: African/African-American, 0.004%; no homozygotes.

Submissions (3):

PreventionGenetics, part of Exact Sciences
Classification: Uncertain significance for SH2B1-related condition. Last evaluated: 2026-08-17. Review status: criteria provided, single submitter. Criteria: ACMG Guidelines, 2015. Collection method: clinical testing. Allele origin: germline.
Comment: The SH2B1 c.715G>A variant is predicted to result in the amino acid substitution p.Ala239Thr. To our knowledge, this variant has not been reported in the literature. This variant is reported in 0.0043% of alleles in individuals of European (Non-Finnish) descent in gnomAD. At this time, the clinical significance of this variant is uncertain due to the absence of conclusive functional and genetic evidence.

Labcorp Genetics (formerly Invitae), Labcorp
Classification: Uncertain significance. Last evaluated: 2025-08-29. Review status: criteria provided, single submitter. Criteria: Invitae Variant Classification Sherloc (09022015). Collection method: clinical testing. Allele origin: germline.
Comment: This sequence change replaces alanine, which is neutral and non-polar, with threonine, which is neutral and polar, at codon 239 of the SH2B1 protein (p.Ala239Thr). This variant is present in population databases (rs769421511, gnomAD 0.004%). This variant has not been reported in the literature in individuals affected with SH2B1-related conditions. ClinVar contains an entry for this variant (Variation ID: 3161121). An algorithm developed to predict the effect of missense changes on protein structure and function outputs the following: PolyPhen-2: "Benign". The threonine amino acid residue is found in multiple mammalian species, which suggests that this missense change does not adversely affect protein function. In summary, the available evidence is currently insufficient to determine the role of this variant in disease. Therefore, it has been classified as a Variant of Uncertain Significance.

Ambry Genetics
Classification: Likely benign. Last evaluated: 2023-12-09. Review status: criteria provided, single submitter. Criteria: Ambry Variant Classification Scheme 2023. Collection method: clinical testing. Allele origin: germline.

NM_001387430.1(SH2B1):c.715G>A (p.Ala239Thr)

Gene: SH2B1 (SH2B adaptor protein 1; plus strand). Cytogenetic location: 16p11.2.
Variant type: single nucleotide variant.
Coding change: c.715G>A on transcript NM_001387430.1 (MANE Select); coding-DNA position 715, G replaced by A.
Protein change: p.Ala239Thr; replaces alanine 239 with threonine.
Molecular consequence: missense variant. On other transcripts: intron variant (1).
Genome position (GRCh38, 1-based): chr16:28,866,809, G>A. VCF-style: chr16-28866809-G-A. GRCh37 (hg19) VCF-style: chr16-28878130-G-A.
Other names: c.715G>A, p.Ala239Thr (NM_001145795.2, NM_001145796.2, NM_001145797.2 and 4 more transcripts); c.-26-565G>A (NM_001308294.2); short protein forms A239T.
Identifiers: ClinVar variation 3161121 (VCV003161121.3), dbSNP rs769421511, ClinGen allele CA7985992.
Genomic context (GRCh38, chr16:28,866,809, plus strand): 5'-TCCCCTGGGGAAAGATGGACTCACCGTTTTGAGAGGCTGAGACTCAGTCGGGGAGGGGGC[G>A]CCTTGAAGGATGGAGCAGGGATGGTGCAGAGGGAAGAGCTGCTGAGTTTCATGGGGGCTG-3'
Protein context (NP_001374359.1, residues 229-249): ERLRLSRGGG[Ala239Thr]LKDGAGMVQR